The following is an entry in ClinVar:

ClinVar aggregate classification (germline): Likely benign. Review status: criteria provided, single submitter (1 of 4 stars). 2 submissions from 2 submitters: Likely benign (1). 1 of the submissions does not count toward it. Last evaluated 2024-11-18.

Conditions:
CHD4-related disorder. Also called: CHD4-related condition.

Allele frequency attached by ClinVar (database versions not stated): gnomAD 0.00001; TOPMed 0.00001; gnomAD exomes 0.00002; ExAC 0.00003; ESP Exome Variant Server 0.00008.

Submissions (2):

Blueprint Genetics
Classification: Likely benign. Last evaluated: 2024-11-18. Review status: criteria provided, single submitter. Criteria: ACMG Guidelines, 2015. Collection method: clinical testing. Allele origin: germline.

PreventionGenetics, part of Exact Sciences
Classification: Likely benign for CHD4-related condition. Last evaluated: 2021-02-03. Review status: no assertion criteria provided. Collection method: clinical testing. Allele origin: germline. Not counted in ClinVar's aggregate classification.
Comment: This variant is classified as likely benign based on ACMG/AMP sequence variant interpretation guidelines (Richards et al. 2015 PMID: 25741868, with internal and published modifications).

NM_001273.5(CHD4):c.1506G>A (p.Val502=)

Gene: CHD4 (chromodomain helicase DNA binding protein 4; minus strand). Cytogenetic location: 12p13.31.
Variant type: single nucleotide variant.
Coding change: c.1506G>A on transcript NM_001273.5 (MANE Select); coding-DNA position 1506, G replaced by A.
Protein change: p.Val502=; no amino-acid change (valine 502 retained).
Molecular consequence: synonymous variant.
Genome position (GRCh38, 1-based): chr12:6,598,402, C>T on the plus strand (G>A on the coding strand, the complement: CHD4 is on the minus strand). VCF-style: chr12-6598402-C-T. GRCh37 (hg19) VCF-style: chr12-6707568-C-T.
Other names: c.1485G>A, p.Val495= (NM_001297553.2); c.1467G>A, p.Val489= (NM_001363606.2).
Identifiers: ClinVar variation 3051934 (VCV003051934.3), dbSNP rs376971060, ClinGen allele CA6412213.